The following is an entry in ClinVar:

ClinVar aggregate classification (germline): Uncertain significance (1 of 4 stars; one submission).

Conditions:
Ataxia-telangiectasia syndrome (AT). Also called: Cerebello-oculocutaneous telangiectasia; Immunodeficiency with ataxia telangiectasia; Ataxia-telangiectasia, complementation group E; Ataxia telangiectasia (A-T); LOUIS-BAR SYNDROME; ATAXIA-TELANGIECTASIA, COMPLEMENTATION GROUP A. Identifiers: Orphanet 100, MedGen C0004135, MONDO:0008840, OMIM 208900.

Submission:

Labcorp Genetics (formerly Invitae), Labcorp
Classification: Uncertain significance for Ataxia-telangiectasia syndrome. Last evaluated: 2023-10-30. Review status: criteria provided, single submitter. Criteria: Invitae Variant Classification Sherloc (09022015). Collection method: clinical testing. Allele origin: germline.
Comment: This sequence change replaces isoleucine, which is neutral and non-polar, with leucine, which is neutral and non-polar, at codon 760 of the ATM protein (p.Ile760Leu). This variant is not present in population databases (gnomAD no frequency). This variant has not been reported in the literature in individuals affected with ATM-related conditions. An algorithm developed to predict the effect of missense changes on protein structure and function (PolyPhen-2) suggests that this variant is likely to be tolerated. In summary, the available evidence is currently insufficient to determine the role of this variant in disease. Therefore, it has been classified as a Variant of Uncertain Significance.

NM_000051.4(ATM):c.2278A>C (p.Ile760Leu)

Gene: ATM (ATM serine/threonine kinase; plus strand). Cytogenetic location: 11q22.3.
Variant type: single nucleotide variant.
Coding change: c.2278A>C on transcript NM_000051.4 (MANE Select); coding-DNA position 2278, A replaced by C.
Protein change: p.Ile760Leu; replaces isoleucine 760 with leucine.
Molecular consequence: missense variant.
Genome position (GRCh38, 1-based): chr11:108,257,508, A>C. VCF-style: chr11-108257508-A-C. GRCh37 (hg19) VCF-style: chr11-108128235-A-C.
Other names: c.2278A>C, p.Ile760Leu (NM_001351834.2); short protein forms I760L.
Identifiers: ClinVar variation 2772856 (VCV002772856.3), dbSNP rs1555075672, ClinGen allele CA382539654.